The following is an entry in ClinVar:

ClinVar aggregate classification (germline): Uncertain significance (1 of 4 stars; one submission).

Conditions:
KBG syndrome (KBGS). Also called: ANKRD11-Related KBG Syndrome. Identifiers: Orphanet 2332, MedGen C0220687, MONDO:0007846, OMIM 148050.

gnomAD v4.1: 2 of 1,611,074 alleles (0.00012%); highest among the groups gnomAD compares: African/African-American, 0.0013%; no homozygotes.

Submission:

Labcorp Genetics (formerly Invitae), Labcorp
Classification: Uncertain significance for KBG syndrome. Last evaluated: 2024-04-12. Review status: criteria provided, single submitter. Criteria: Invitae Variant Classification Sherloc (09022015). Collection method: clinical testing. Allele origin: germline.
Comment: This variant occurs in a non-coding region of the ANKRD11 gene. It does not change the encoded amino acid sequence of the ANKRD11 protein. The frequency data for this variant in the population databases is considered unreliable, as metrics indicate poor data quality at this position in the gnomAD database. This variant has not been reported in the literature in individuals affected with ANKRD11-related conditions. In summary, the available evidence is currently insufficient to determine the role of this variant in disease. Therefore, it has been classified as a Variant of Uncertain Significance.

NM_013275.6(ANKRD11):c.-17G>T

Gene: ANKRD11 (ankyrin repeat domain 11; minus strand). Cytogenetic location: 16q24.3.
Variant type: single nucleotide variant.
Coding change: c.-17G>T on transcript NM_013275.6 (MANE Select); 17 bases upstream of the start codon, G replaced by T.
Molecular consequence: 5 prime UTR variant. On other transcripts: non-coding transcript variant (1).
Genome position (GRCh38, 1-based): chr16:89,317,036, C>A on the plus strand (G>T on the coding strand, the complement: ANKRD11 is on the minus strand). VCF-style: chr16-89317036-C-A. GRCh37 (hg19) VCF-style: chr16-89383444-C-A.
Other names: c.-17G>T (NM_001256182.2, NM_001256183.2).
Identifiers: ClinVar variation 2739149 (VCV002739149.3), dbSNP rs375769022, ClinGen allele CA8243296.
Genomic context (GRCh38, chr16:89,317,036, plus strand): 5'-AGCTCTTCCTGCTGTGGTGCTTTAGGGCACCCACCCTTGGGCATCGTCCTGCTCCTCACC[C>A]GATCTTCATTTACACGGCCGGCGCTTCATCATCAACCGTCTGCTTCAAAAGAGAAGACAC-3'